The following is an entry in ClinVar:

ClinVar aggregate classification (germline): Uncertain significance. Review status: criteria provided, multiple submitters, no conflicts (2 of 4 stars). 3 submissions from 3 submitters: Uncertain significance (3). Last evaluated 2025-06-07.

Conditions:
Hereditary cancer-predisposing syndrome. Also called: Tumor predisposition; Hereditary neoplastic syndrome; Hereditary Cancer Syndrome; Neoplastic Syndromes, Hereditary. Identifiers: Orphanet 140162, MedGen C0027672, MeSH D009386, MONDO:0015356.
Familial adenomatous polyposis 1 (FAP1). Also called: FAMILIAL ADENOMATOUS POLYPOSIS 1, ATTENUATED; POLYPOSIS, ADENOMATOUS INTESTINAL. Identifiers: MedGen C2713442, MONDO:0021056, OMIM 175100. Disease mechanism: loss of function.

Submissions (3):

Ambry Genetics
Classification: Uncertain significance for Hereditary cancer-predisposing syndrome. Last evaluated: 2025-06-07. Review status: criteria provided, single submitter. Criteria: Ambry Variant Classification Scheme 2023. Collection method: clinical testing. Allele origin: germline.
Comment: The p.A199G variant (also known as c.596C>G), located in coding exon 5 of the APC gene, results from a C to G substitution at nucleotide position 596. The alanine at codon 199 is replaced by glycine, an amino acid with similar properties. This amino acid position is conserved. In addition, in silico predictors for this gene do not accurately predict pathogenicity. Based on the available evidence, the clinical significance of this variant remains unclear.

Labcorp Genetics (formerly Invitae), Labcorp
Classification: Uncertain significance for Familial adenomatous polyposis 1. Last evaluated: 2021-10-31. Review status: criteria provided, single submitter. Criteria: Invitae Variant Classification Sherloc (09022015). Collection method: clinical testing. Allele origin: germline.
Comment: In summary, the available evidence is currently insufficient to determine the role of this variant in disease. Therefore, it has been classified as a Variant of Uncertain Significance. Algorithms developed to predict the effect of missense changes on protein structure and function are either unavailable or do not agree on the potential impact of this missense change (SIFT: "Tolerated"; PolyPhen-2: "Possibly Damaging"; Align-GVGD: "Class C0"). ClinVar contains an entry for this variant (Variation ID: 1172085). This variant has not been reported in the literature in individuals affected with APC-related conditions. This variant is not present in population databases (gnomAD no frequency). This sequence change replaces alanine, which is neutral and non-polar, with glycine, which is neutral and non-polar, at codon 199 of the APC protein (p.Ala199Gly).

Color Diagnostics, LLC DBA Color Health
Classification: Uncertain significance for Hereditary cancer-predisposing syndrome. Last evaluated: 2020-10-19. Review status: criteria provided, single submitter. Criteria: ACMG Guidelines, 2015. Collection method: clinical testing. Allele origin: germline.
Comment: This missense variant replaces alanine with glycine at codon 199 of the APC protein. Computational prediction is inconclusive regarding the impact of this variant on protein structure and function (internally defined REVEL score threshold 0.5 < inconclusive < 0.7, PMID: 27666373). To our knowledge, functional studies have not been reported for this variant. This variant has not been reported in individuals affected with hereditary cancer in the literature. This variant has not been identified in the general population by the Genome Aggregation Database (gnomAD). The available evidence is insufficient to determine the role of this variant in disease conclusively. Therefore, this variant is classified as a Variant of Uncertain Significance.

NM_000038.6(APC):c.596C>G (p.Ala199Gly)

Gene: APC (APC regulator of Wnt signaling pathway; plus strand). Cytogenetic location: 5q22.2.
Variant type: single nucleotide variant.
Coding change: c.596C>G on transcript NM_000038.6 (MANE Select); coding-DNA position 596, C replaced by G.
Protein change: p.Ala199Gly; replaces alanine 199 with glycine.
Molecular consequence: missense variant. On other transcripts: 5 prime UTR variant (1).
Genome position (GRCh38, 1-based): chr5:112,780,854, C>G. VCF-style: chr5-112780854-C-G. GRCh37 (hg19) VCF-style: chr5-112116551-C-G.
Other names: c.596C>G, p.Ala199Gly (NM_001127510.3, NM_001354895.2, NM_001354896.2 and 2 more transcripts); c.626C>G, p.Ala209Gly (NM_001127511.3, NM_001354897.2, NM_001354902.2); c.521C>G, p.Ala174Gly (NM_001354898.2, NM_001354904.2); c.419C>G, p.Ala140Gly (NM_001354900.2, NM_001354901.2, NM_001354905.2); c.-440C>G (NM_001354906.2); short protein forms A140G, A174G, A199G, A209G.
Identifiers: ClinVar variation 1172085 (VCV001172085.9), dbSNP rs748193367, ClinGen allele CA16022640.